The following is an entry in ClinVar:

ClinVar aggregate classification (germline): Pathogenic. Review status: criteria provided, multiple submitters, no conflicts (2 of 4 stars). 2 submissions from 2 submitters: Pathogenic (2). Last evaluated 2025-04-02.

Conditions:
Hereditary cancer-predisposing syndrome. Also called: Tumor predisposition; Hereditary Cancer Syndrome; Hereditary neoplastic syndrome; Neoplastic Syndromes, Hereditary. Identifiers: Orphanet 140162, MedGen C0027672, MeSH D009386, MONDO:0015356.
Ataxia-telangiectasia syndrome (AT). Also called: ATAXIA-TELANGIECTASIA, COMPLEMENTATION GROUP A; ATAXIA-TELANGIECTASIA, FRESNO VARIANT; Ataxia-telangiectasia; Ataxia-telangiectasia, complementation group E; LOUIS-BAR SYNDROME; Cerebello-oculocutaneous telangiectasia. Identifiers: Orphanet 100, MedGen C0004135, MONDO:0008840, OMIM 208900.

Submissions (2):

Labcorp Genetics (formerly Invitae), Labcorp
Classification: Pathogenic for Ataxia-telangiectasia syndrome. Last evaluated: 2025-04-02. Review status: criteria provided, single submitter. Criteria: Invitae Variant Classification Sherloc (09022015). Collection method: clinical testing. Allele origin: germline.
Comment: This sequence change creates a premature translational stop signal (p.Ala2067Argfs*16) in the ATM gene. RNA analysis indicates that this premature translational stop signal induces altered splicing and may result in an absent or altered protein product. This variant is not present in population databases (gnomAD no frequency). This variant has not been reported in the literature in individuals affected with ATM-related conditions. ClinVar contains an entry for this variant (Variation ID: 2130044). Studies have shown that this premature translational stop signal results in activation of a cryptic splice site, and produces a non-functional protein and/or introduces a premature termination codon (internal data). For these reasons, this variant has been classified as Pathogenic.

Ambry Genetics
Classification: Pathogenic for Hereditary cancer-predisposing syndrome. Last evaluated: 2024-07-22. Review status: criteria provided, single submitter. Criteria: Ambry Variant Classification Scheme 2023. Collection method: clinical testing. Allele origin: germline.
Comment: The c.6197_6198dupAG pathogenic mutation, located in coding exon 41 of the ATM gene, results from a duplication of AG at nucleotide position 6197, causing a translational frameshift with a predicted alternate stop codon (p.A2067Rfs*16). This variant is considered to be rare based on population cohorts in the Genome Aggregation Database (gnomAD). This alteration is expected to result in loss of function by premature protein truncation or nonsense-mediated mRNA decay. As such, this alteration is interpreted as a disease-causing mutation.

NM_000051.4(ATM):c.6197_6198dup (p.Ala2067fs)

Genes: ATM (ATM serine/threonine kinase; plus strand), C11orf65 (chromosome 11 open reading frame 65; minus strand). Cytogenetic location: 11q22.3.
Variant type: Duplication.
Coding change: c.6197_6198dup on transcript NM_000051.4 (MANE Select); coding-DNA positions 6197 to 6198, 2 bases duplicated (AG; older notation c.6197_6198dupAG).
Protein change: p.Ala2067fs; shifts the reading frame from alanine 2067.
Molecular consequence: frameshift variant. On other transcripts: intron variant (2).
Genome position (GRCh38, 1-based): chr11:108,316,112-108,316,113, AG duplicated. VCF-style (leftmost placement, unchanged base first): chr11-108316111-C-CAG. GRCh37 (hg19) VCF-style: chr11-108186838-C-CAG.
Other names: c.*39-7042_*39-7041dup (NM_001351110.2); c.6197_6198dup, p.Ala2067fs (NM_001351834.2); c.641-7042_641-7041dup (NM_001330368.2); c.6197_6198dupAG (NM_000051.3); short protein forms A2067fs.
Identifiers: ClinVar variation 2130044 (VCV002130044.5), dbSNP rs2547097486, ClinGen allele CA2580083117.